The following is an entry in ClinVar:

ClinVar aggregate classification (germline): Uncertain significance. Review status: criteria provided, multiple submitters, no conflicts (2 of 4 stars). 2 submissions from 2 submitters: Uncertain significance (2). Last evaluated 2023-03-22.

Conditions:
Inborn genetic diseases. Identifiers: MedGen C0950123, MeSH D030342.

Submissions (2):

Ambry Genetics
Classification: Uncertain significance for Inborn genetic diseases. Last evaluated: 2023-03-22. Review status: criteria provided, single submitter. Criteria: Ambry Variant Classification Scheme 2023. Collection method: clinical testing. Allele origin: germline.

GeneDx
Classification: Uncertain significance. Last evaluated: 2022-08-26. Review status: criteria provided, single submitter. Criteria: GeneDx Variant Classification Process June 2021. Collection method: clinical testing. Allele origin: germline. Affected: yes.
Comment: Not observed at significant frequency in large population cohorts (gnomAD); In silico analysis supports that this missense variant does not alter protein structure/function; Has not been previously published as pathogenic or benign to our knowledge

NM_007118.4(TRIO):c.143C>T (p.Ala48Val)

Genes: TRIO (trio Rho guanine nucleotide exchange factor; plus strand), LOC129993690 (ATAC-STARR-seq lymphoblastoid silent region 15936; plus strand). Cytogenetic location: 5p15.2.
Variant type: single nucleotide variant.
Coding change: c.143C>T on transcript NM_007118.4 (MANE Select); coding-DNA position 143, C replaced by T.
Protein change: p.Ala48Val; replaces alanine 48 with valine.
Molecular consequence: missense variant. On other transcripts: non-coding transcript variant (1).
Genome position (GRCh38, 1-based): chr5:14,143,868, C>T. VCF-style: chr5-14143868-C-T. GRCh37 (hg19) VCF-style: chr5-14143977-C-T.
Other names: short protein forms A48V.
Identifiers: ClinVar variation 2430915 (VCV002430915.3), dbSNP rs2531263366, ClinGen allele CA359283416.